The following is an entry in ClinVar:

ClinVar aggregate classification (germline): Likely benign (1 of 4 stars; one submission).

gnomAD v4.1: 21 of 1,600,842 alleles (0.0013%); highest among the groups gnomAD compares: Admixed American, 0.023%; no homozygotes.

Submission:

CeGaT Center for Human Genetics Tuebingen
Classification: Likely benign. Last evaluated: 2026-08-01. Review status: criteria provided, single submitter. Criteria: CeGaT Center For Human Genetics Tuebingen Variant Classification Criteria Version 2. Collection method: clinical testing. Allele origin: germline. Affected: yes. Observed: 2 variant alleles.
Comment: PRR12: BS2

NM_020719.3(PRR12):c.1666G>A (p.Gly556Ser)

Gene: PRR12 (proline rich 12; plus strand). Cytogenetic location: 19q13.33.
Variant type: single nucleotide variant.
Coding change: c.1666G>A on transcript NM_020719.3 (MANE Select); coding-DNA position 1666, G replaced by A.
Protein change: p.Gly556Ser; replaces glycine 556 with serine.
Molecular consequence: missense variant.
Genome position (GRCh38, 1-based): chr19:49,596,001, G>A. VCF-style: chr19-49596001-G-A. GRCh37 (hg19) VCF-style: chr19-50099258-G-A.
Other names: short protein forms G556S.
Identifiers: ClinVar variation 5039182 (VCV005039182.1).